The following is an entry in ClinVar:

NM_005802.5(TOPORS):c.2873A>T (p.Glu958Val)

Gene: TOPORS (TOP1 binding arginine/serine rich protein, E3 ubiquitin ligase; minus strand). Cytogenetic location: 9p21.1.
Variant type: single nucleotide variant.
Coding change: c.2873A>T on transcript NM_005802.5 (MANE Select); coding-DNA position 2873, A replaced by T.
Protein change: p.Glu958Val; replaces glutamic acid 958 with valine.
Molecular consequence: missense variant.
Genome position (GRCh38, 1-based): chr9:32,541,652, T>A on the plus strand (A>T on the coding strand, the complement: TOPORS is on the minus strand). VCF-style: chr9-32541652-T-A. GRCh37 (hg19) VCF-style: chr9-32541650-T-A.
Other names: c.2678A>T, p.Glu893Val (NM_001195622.2); short protein forms E958V, E893V.
Identifiers: ClinVar variation 636205 (VCV000636205.5), dbSNP rs757527959, ClinGen allele CA5020296.

ClinVar aggregate classification (germline): Uncertain significance. Review status: criteria provided, single submitter (1 of 4 stars). 2 submissions from 2 submitters: Uncertain significance (1). 1 of the submissions does not count toward it. Last evaluated 2025-05-14.

Conditions:
Retinitis pigmentosa (RP). Identifiers: Orphanet 791, MedGen C0035334, MeSH D012174, MONDO:0019200, OMIM 268000. Inheritance: Autosomal dominant, autosomal recessive and X linked inheritance.

Allele frequency attached by ClinVar (database versions not stated): gnomAD exomes below 0.00001 and 0.00005; ExAC 0.00001; TOPMed 0.00001; gnomAD 0.00002.
gnomAD v4.1: 73 of 1,614,096 alleles (0.0045%); highest among the groups gnomAD compares: Non-Finnish European, 0.0062%; no homozygotes.

Submissions (2):

Labcorp Genetics (formerly Invitae), Labcorp
Classification: Uncertain significance. Last evaluated: 2025-05-14. Review status: criteria provided, single submitter. Criteria: Invitae Variant Classification Sherloc (09022015). Collection method: clinical testing. Allele origin: germline.
Comment: This sequence change replaces glutamic acid, which is acidic and polar, with valine, which is neutral and non-polar, at codon 958 of the TOPORS protein (p.Glu958Val). This variant is present in population databases (rs757527959, gnomAD 0.003%). This missense change has been observed in individual(s) with clinical features of TOPORS-related conditions (PMID: 30718709). ClinVar contains an entry for this variant (Variation ID: 636205). Experimental studies and prediction algorithms are not available or were not evaluated, and the functional significance of this variant is currently unknown. In summary, the available evidence is currently insufficient to determine the role of this variant in disease. Therefore, it has been classified as a Variant of Uncertain Significance.

Department of Clinical Genetics, Copenhagen University Hospital, Rigshospitalet
Classification: Uncertain significance for Retinitis pigmentosa. Last evaluated: 2018-04-01. Review status: no assertion criteria provided. Collection method: research. Allele origin: unknown. Affected: yes. Study: VeluxRD. Not counted in ClinVar's aggregate classification.

Literature cited by the submitters: PubMed 30718709 (cited by Labcorp Genetics (formerly Invitae), Labcorp and Department of Clinical Genetics, Copenhagen University Hospital, Rigshospitalet).